The following is an entry in ClinVar:

ClinVar aggregate classification (germline): Uncertain significance (1 of 4 stars; one submission).

Conditions:
Glycogen storage disease due to muscle and heart glycogen synthase deficiency. Also called: GSD 0b; MUSCLE GLYCOGEN SYNTHASE DEFICIENCY. Identifiers: Orphanet 137625, MedGen C1969054, MONDO:0012693, OMIM 611556.

Submission:

Labcorp Genetics (formerly Invitae), Labcorp
Classification: Uncertain significance for Glycogen storage disease due to muscle and heart glycogen synthase deficiency. Last evaluated: 2022-03-19. Review status: criteria provided, single submitter. Criteria: Invitae Variant Classification Sherloc (09022015). Collection method: clinical testing. Allele origin: germline.
Comment: In summary, the available evidence is currently insufficient to determine the role of this variant in disease. Therefore, it has been classified as a Variant of Uncertain Significance. Algorithms developed to predict the effect of missense changes on protein structure and function are either unavailable or do not agree on the potential impact of this missense change (SIFT: "Tolerated"; PolyPhen-2: "Probably Damaging"; Align-GVGD: "Class C0"). ClinVar contains an entry for this variant (Variation ID: 651479). This variant has not been reported in the literature in individuals affected with GYS1-related conditions. This variant is not present in population databases (gnomAD no frequency). This sequence change replaces proline, which is neutral and non-polar, with alanine, which is neutral and non-polar, at codon 637 of the GYS1 protein (p.Pro637Ala).

NM_002103.5(GYS1):c.1909C>G (p.Pro637Ala)

Gene: GYS1 (glycogen synthase 1; minus strand). Cytogenetic location: 19q13.33.
Variant type: single nucleotide variant.
Coding change: c.1909C>G on transcript NM_002103.5 (MANE Select); coding-DNA position 1909, C replaced by G.
Protein change: p.Pro637Ala; replaces proline 637 with alanine.
Molecular consequence: missense variant. On other transcripts: non-coding transcript variant (1).
Genome position (GRCh38, 1-based): chr19:48,969,593, G>C on the plus strand (C>G on the coding strand, the complement: GYS1 is on the minus strand). VCF-style: chr19-48969593-G-C. GRCh37 (hg19) VCF-style: chr19-49472850-G-C.
Other names: c.1717C>G, p.Pro573Ala (NM_001161587.2); short protein forms P637A, P573A.
Identifiers: ClinVar variation 651479 (VCV000651479.8), dbSNP rs1600128045, ClinGen allele CA406759638.